The following is an entry in ClinVar:

ClinVar aggregate classification (germline): Uncertain significance (1 of 4 stars; one submission).

gnomAD v4.1: 3 of 1,549,728 alleles (0.00019%); highest among the groups gnomAD compares: Non-Finnish European, 0.00017%; no homozygotes.

Submission:

Labcorp Genetics (formerly Invitae), Labcorp
Classification: Uncertain significance. Last evaluated: 2026-01-16. Review status: criteria provided, single submitter. Criteria: Invitae Variant Classification Sherloc (09022015). Collection method: clinical testing. Allele origin: germline.
Comment: This sequence change falls in intron 11 of the CCDC141 gene. It does not directly change the encoded amino acid sequence of the CCDC141 protein. It affects a nucleotide within the consensus splice site. This variant is present in population databases (no rsID available, gnomAD 0.01%). This variant has not been reported in the literature in individuals affected with CCDC141-related conditions. Variants that disrupt the consensus splice site are a relatively common cause of aberrant splicing (PMID: 17576681, 9536098). Algorithms developed to predict the effect of sequence changes on RNA splicing suggest that this variant is not likely to affect RNA splicing. In summary, the available evidence is currently insufficient to determine the role of this variant in disease. Therefore, it has been classified as a Variant of Uncertain Significance.

Literature cited by the submitters: PubMed 17576681; PubMed 9536098.

NM_173648.4(CCDC141):c.1719+4T>C

Gene: CCDC141 (coiled-coil domain containing 141; minus strand). Cytogenetic location: 2q31.2.
Variant type: single nucleotide variant.
Coding change: c.1719+4T>C on transcript NM_173648.4 (MANE Select); 4 bases into the intron after coding-DNA position 1719, T replaced by C.
Molecular consequence: intron variant.
Genome position (GRCh38, 1-based): chr2:178,884,897, A>G on the plus strand (T>C on the coding strand, the complement: CCDC141 is on the minus strand). VCF-style: chr2-178884897-A-G. GRCh37 (hg19) VCF-style: chr2-179749624-A-G.
Other names: c.1719+4T>C (NM_001316745.2).
Identifiers: ClinVar variation 4776876 (VCV004776876.1).